The following is an entry in ClinVar:

NM_001267550.2(TTN):c.51565A>G (p.Lys17189Glu)

Genes: TTN (titin; minus strand), TTN-AS1 (TTN antisense RNA 1; plus strand). Cytogenetic location: 2q31.2.
Variant type: single nucleotide variant.
Coding change: c.51565A>G on transcript NM_001267550.2 (MANE Select); coding-DNA position 51565, A replaced by G.
Protein change: p.Lys17189Glu; replaces lysine 17189 with glutamic acid.
Molecular consequence: missense variant.
Genome position (GRCh38, 1-based): chr2:178,609,858, T>C on the plus strand (A>G on the coding strand, the complement: TTN is on the minus strand). VCF-style: chr2-178609858-T-C. GRCh37 (hg19) VCF-style: chr2-179474585-T-C.
Other names: c.46642A>G, p.Lys15548Glu (NM_001256850.1); c.24370A>G, p.Lys8124Glu (NM_003319.4); c.24745A>G, p.Lys8249Glu (NM_133432.3); c.24946A>G, p.Lys8316Glu (NM_133437.4); c.43861A>G, p.Lys14621Glu (NM_133378.4); short protein forms K14621E, K17189E, K8316E, K15548E, K8249E, K8124E.
Identifiers: ClinVar variation 166003 (VCV000166003.5), dbSNP rs727503618, ClinGen allele CA178806.

ClinVar aggregate classification (germline): Uncertain significance (1 of 4 stars; one submission).

Allele frequency attached by ClinVar (database versions not stated): gnomAD exomes 0.00001.

Submission:

Laboratory for Molecular Medicine, Mass General Brigham Personalized Medicine
Classification: Uncertain significance. Last evaluated: 2016-07-13. Review status: criteria provided, single submitter. Criteria: LMM Criteria. Collection method: clinical testing. Allele origin: germline. Observed: 1 variant allele.
Comment: This variant was absent from large population studies. Computational prediction tools and conservation analysis suggest that the p.Lys14621Glu varian t may impact the protein, though this information is not predictive enough to de termine pathogenicity. In summary, the clinical significance of the p.Lys14621Gl u variant is uncertain.